The following is an entry in ClinVar:

ClinVar aggregate classification (germline): Uncertain significance (1 of 4 stars; one submission).

Allele frequency attached by ClinVar (database versions not stated): gnomAD exomes below 0.00001; ExAC 0.00001; TOPMed 0.00001; gnomAD 0.00002.

Submission:

Labcorp Genetics (formerly Invitae), Labcorp
Classification: Uncertain significance. Last evaluated: 2021-09-07. Review status: criteria provided, single submitter. Criteria: Invitae Variant Classification Sherloc (09022015). Collection method: clinical testing. Allele origin: germline.
Comment: This sequence change creates a premature translational stop signal (p.Asp112*) in the CDCA7 gene. It is expected to result in an absent or disrupted protein product. However, the current clinical and genetic evidence is not sufficient to establish whether loss-of-function variants in CDCA7 cause disease. This variant is present in population databases (rs773668313, ExAC 0.001%). This variant has not been reported in the literature in individuals affected with CDCA7-related conditions. In summary, the available evidence is currently insufficient to determine the role of this variant in disease. Therefore, it has been classified as a Variant of Uncertain Significance.

NM_031942.5(CDCA7):c.333dup (p.Asp112Ter)

Gene: CDCA7 (cell division cycle associated 7; plus strand). Cytogenetic location: 2q31.1.
Variant type: Duplication.
Coding change: c.333dup on transcript NM_031942.5 (MANE Select); coding-DNA position 333, one base duplicated (T; older notation c.333dupT).
Protein change: p.Asp112Ter; replaces aspartic acid 112 with a stop codon.
Molecular consequence: nonsense. On other transcripts: intron variant (1).
Genome position (GRCh38, 1-based): chr2:173,359,440, T duplicated. VCF-style (leftmost placement, unchanged base first): chr2-173359439-C-CT. GRCh37 (hg19) VCF-style: chr2-174224167-C-CT.
Other names: c.147+603dup (NM_145810.3); short protein forms D112*.
Identifiers: ClinVar variation 1424108 (VCV001424108.6), dbSNP rs773668313, ClinGen allele CA1971206.
Genomic context (GRCh38, chr2:173,359,439, plus strand): 5'-TTTTACAGAAACCAAGGCCAGATGTCACTAACGAACTGGCCGGTATTTTTCATGCCGACT[C>CT]TGACGATGAATCATTTTGCGGTTTCTCAGAGAGTGAGATACAAGATGGAATGGTGAGTTC-3'